The following is an entry in ClinVar:

NM_001853.4(COL9A3):c.1698_1706dup (p.Gly569_Ser570insProProGly)

Gene: COL9A3 (collagen type IX alpha 3 chain; plus strand). Cytogenetic location: 20q13.33.
Variant type: Duplication.
Coding change: c.1698_1706dup on transcript NM_001853.4 (MANE Select); coding-DNA positions 1698 to 1706, 9 bases duplicated (ACCCCCAGG; older notation c.1698_1706dupACCCCCAGG).
Protein change: p.Gly569_Ser570insProProGly.
Genome position (GRCh38, 1-based): chr20:62,837,177-62,837,185, ACCCCCAGG duplicated; duplicating any 9 consecutive bases within chr20:62,837,169-62,837,185 gives the same sequence; the c. name uses the placement nearest the transcript's 3' end. VCF-style (leftmost placement, unchanged base first): chr20-62837168-G-GCCCCCAGGA. GRCh37 (hg19) VCF-style: chr20-61468520-G-GCCCCCAGGA.
Identifiers: ClinVar variation 3713058 (VCV003713058.2).

ClinVar aggregate classification (germline): Uncertain significance (1 of 4 stars; one submission).

Submission:

Labcorp Genetics (formerly Invitae), Labcorp
Classification: Uncertain significance. Last evaluated: 2025-07-23. Review status: criteria provided, single submitter. Criteria: Invitae Variant Classification Sherloc (09022015). Collection method: clinical testing. Allele origin: germline.
Comment: This variant, c.1698_1706dup, results in the insertion of 3 amino acid(s) of the COL9A3 protein (p.Pro567_Gly569dup), but otherwise preserves the integrity of the reading frame. The frequency data for this variant in the population databases is considered unreliable, as metrics indicate poor data quality at this position in the gnomAD database. This variant has not been reported in the literature in individuals affected with COL9A3-related conditions. ClinVar contains an entry for this variant (Variation ID: 3713058). In summary, the available evidence is currently insufficient to determine the role of this variant in disease. Therefore, it has been classified as a Variant of Uncertain Significance.